The following is an entry in ClinVar:

NM_006610.4(MASP2):c.464A>G (p.His155Arg)

Gene: MASP2 (MBL associated serine protease 2; minus strand). Cytogenetic location: 1p36.22.
Variant type: single nucleotide variant.
Coding change: c.464A>G on transcript NM_006610.4 (MANE Select); coding-DNA position 464, A replaced by G.
Protein change: p.His155Arg; replaces histidine 155 with arginine.
Molecular consequence: missense variant.
Genome position (GRCh38, 1-based): chr1:11,045,488, T>C on the plus strand (A>G on the coding strand, the complement: MASP2 is on the minus strand). VCF-style: chr1-11045488-T-C. GRCh37 (hg19) VCF-style: chr1-11105545-T-C.
Other names: c.464A>G, p.His155Arg (NM_139208.3); short protein forms H155R.
Identifiers: ClinVar variation 873963 (VCV000873963.6), dbSNP rs2273343, ClinGen allele CA587100.

ClinVar aggregate classification (germline): Benign. Review status: criteria provided, single submitter (1 of 4 stars). 2 submissions from 2 submitters: Benign (1). 1 of the submissions does not count toward it. Last evaluated 2018-01-13.

Conditions:
MASP2-related disorder. Also called: MASP2-related condition.
Immunodeficiency due to MASP-2 deficiency. Also called: MASP2 deficiency; LECTIN COMPLEMENT ACTIVATION PATHWAY, DEFECT IN, 2. Identifiers: Orphanet 331187, MedGen C3151085, MONDO:0013423, OMIM 613791.

Allele frequency attached by ClinVar (database versions not stated): ESP Exome Variant Server 0.00015; gnomAD 0.00096 and 0.00130; TOPMed 0.00149; ExAC 0.00242; gnomAD exomes 0.00242; 1000 Genomes Project 30x 0.00547; 1000 Genomes Project 0.00559.
gnomAD v4.1: 1,743 of 1,612,010 alleles (0.11%); highest among the groups gnomAD compares: East Asian, 2.9%; 23 homozygotes.

Submissions (2):

Illumina Laboratory Services, Illumina
Classification: Benign for Immunodeficiency due to MASP-2 deficiency. Last evaluated: 2018-01-13. Review status: criteria provided, single submitter. Criteria: ICSL Variant Classification Criteria 13 December 2019. Collection method: clinical testing. Allele origin: germline.
Comment: This variant was observed in the ICSL laboratory as part of a predisposition screen in an ostensibly healthy population. It had not been previously curated by ICSL or reported in the Human Gene Mutation Database (HGMD: prior to June 1st, 2018), and was therefore a candidate for classification through an automated scoring system. Utilizing variant allele frequency, disease prevalence and penetrance estimates, and inheritance mode, an automated score was calculated to assess if this variant is too frequent to cause the disease. Based on the score and internal cut-off values, a variant classified as benign is not then subjected to further curation. The score for this variant resulted in a classification of benign for this disease.

PreventionGenetics, part of Exact Sciences
Classification: Benign for MASP2-related condition. Last evaluated: 2019-06-12. Review status: no assertion criteria provided. Collection method: clinical testing. Allele origin: germline. Not counted in ClinVar's aggregate classification.
Comment: This variant is classified as benign based on ACMG/AMP sequence variant interpretation guidelines (Richards et al. 2015 PMID: 25741868, with internal and published modifications).